The following is an entry in ClinVar:

ClinVar aggregate classification (germline): Uncertain significance (1 of 4 stars; one submission).

Conditions:
IDUA-related disorder. Also called: IDUA-related condition.

Allele frequency attached by ClinVar (database versions not stated): TOPMed below 0.00001; gnomAD 0.00001.
gnomAD v4.1: 3 of 1,611,542 alleles (0.00019%); highest among the groups gnomAD compares: Non-Finnish European, 0.00025%; no homozygotes.

Submission:

PreventionGenetics, part of Exact Sciences
Classification: Uncertain significance for IDUA-related condition. Last evaluated: 2023-05-30. Review status: criteria provided, single submitter. Criteria: ACMG Guidelines, 2015. Collection method: clinical testing. Allele origin: germline.
Comment: The IDUA c.1921G>T variant is predicted to result in the amino acid substitution p.Val641Phe. To our knowledge, this variant has not been reported in the literature or in a large population database, indicating this variant is rare. At this time, the clinical significance of this variant is uncertain due to the absence of conclusive functional and genetic evidence.

NM_000203.5(IDUA):c.1921G>T (p.Val641Phe)

Gene: IDUA (alpha-L-iduronidase; plus strand). Cytogenetic location: 4p16.3.
Variant type: single nucleotide variant.
Coding change: c.1921G>T on transcript NM_000203.5 (MANE Select); coding-DNA position 1921, G replaced by T.
Protein change: p.Val641Phe; replaces valine 641 with phenylalanine.
Molecular consequence: missense variant. On other transcripts: non-coding transcript variant (1).
Genome position (GRCh38, 1-based): chr4:1,004,352, G>T. VCF-style: chr4-1004352-G-T. GRCh37 (hg19) VCF-style: chr4-998140-G-T.
Other names: c.1525G>T, p.Val509Phe (NM_001363576.1); short protein forms V509F, V641F.
Identifiers: ClinVar variation 2632322 (VCV002632322.1), dbSNP rs1200080492, ClinGen allele CA355966054.
Genomic context (GRCh38, chr4:1,004,352, plus strand): 5'-CGAGCCCTGGACTACTGGGCCCGACCAGGCCCCTTCTCGGACCCTGTGCCGTACCTGGAG[G>T]TCCCTGTGCCAAGAGGGCCCCCATCCCCGGGCAATCCATGAGCCTGTGCTGAGCCCCAGT-3'
Protein context (NP_000194.2, residues 631-651): PFSDPVPYLE[Val641Phe]PVPRGPPSPG